The following is an entry in ClinVar:

ClinVar aggregate classification (germline): Uncertain significance (1 of 4 stars; one submission).

Submission:

Labcorp Genetics (formerly Invitae), Labcorp
Classification: Uncertain significance. Last evaluated: 2024-01-12. Review status: criteria provided, single submitter. Criteria: Invitae Variant Classification Sherloc (09022015). Collection method: clinical testing. Allele origin: germline.
Comment: This sequence change falls in intron 90 of the HSPG2 gene. It does not directly change the encoded amino acid sequence of the HSPG2 protein. This variant is present in population databases (rs766134127, gnomAD 0.06%). This variant has not been reported in the literature in individuals affected with HSPG2-related conditions. ClinVar contains an entry for this variant (Variation ID: 1417082). Algorithms developed to predict the effect of sequence changes on RNA splicing suggest that this variant may disrupt the consensus splice site. In summary, the available evidence is currently insufficient to determine the role of this variant in disease. Therefore, it has been classified as a Variant of Uncertain Significance.

NM_005529.7(HSPG2):c.12533-7_12533-5del

Gene: HSPG2 (heparan sulfate proteoglycan 2; minus strand). Cytogenetic location: 1p36.12.
Variant type: Deletion.
Coding change: c.12533-7_12533-5del on transcript NM_005529.7 (MANE Select); 7 bases into the intron before coding-DNA position 12533 through 5 bases into the intron before coding-DNA position 12533, 3 bases deleted (TCC; older notation c.12533-7_12533-5delTCC).
Molecular consequence: intron variant.
Genome position (GRCh38, 1-based): chr1:21,827,924-21,827,926, GGA deleted on the plus strand (TCC on the coding strand, the reverse complement: HSPG2 is on the minus strand); deleting any 3 consecutive bases within chr1:21,827,924-21,827,927 gives the same sequence; the c. name uses the placement nearest the transcript's 3' end. VCF-style (leftmost placement, unchanged base first): chr1-21827923-TGGA-T. GRCh37 (hg19) VCF-style: chr1-22154416-TGGA-T.
Other names: c.12536-7_12536-5del (NM_001291860.2).
Identifiers: ClinVar variation 1417082 (VCV001417082.6), dbSNP rs60294852, ClinGen allele CA669386.